The following is an entry in ClinVar:

NM_001845.6(COL4A1):c.3976G>A (p.Gly1326Arg)

Gene: COL4A1 (collagen type IV alpha 1 chain; minus strand). Cytogenetic location: 13q34.
Variant type: single nucleotide variant.
Coding change: c.3976G>A on transcript NM_001845.6 (MANE Select); coding-DNA position 3976, G replaced by A.
Protein change: p.Gly1326Arg; replaces glycine 1326 with arginine.
Molecular consequence: missense variant.
Genome position (GRCh38, 1-based): chr13:110,166,277, C>T on the plus strand (G>A on the coding strand, the complement: COL4A1 is on the minus strand). VCF-style: chr13-110166277-C-T. GRCh37 (hg19) VCF-style: chr13-110818624-C-T.
Other names: short protein forms G1326R.
Identifiers: ClinVar variation 132791 (VCV000132791.7), dbSNP rs587777379, ClinGen allele CA156200.

ClinVar aggregate classification (germline): Pathogenic. Review status: criteria provided, multiple submitters, no conflicts (2 of 4 stars). 3 submissions from 3 submitters: Pathogenic (2). 1 of the submissions does not count toward it. Last evaluated 2026-03-27.

Conditions:
Brain small vessel disease 1 with or without ocular anomalies (BSVD1). Also called: Brain small vessel disease with or without ocular anomalies; PORENCEPHALY, TYPE 1, AUTOSOMAL DOMINANT; GOULD SYNDROME 1; BRAIN SMALL VESSEL DISEASE WITH HEMORRHAGE. Identifiers: Orphanet 2940, Orphanet 36383, Orphanet 99810, MedGen C4755307, MONDO:0008289, OMIM 175780.

Submissions (3):

GeneDx
Classification: Pathogenic. Last evaluated: 2026-03-27. Review status: criteria provided, single submitter. Criteria: GeneDx Variant Classification Process June 2021. Collection method: clinical testing. Allele origin: germline.
Comment: Affects a glycine residue in a Gly-X-Y motif in the triple helical region of the COL4A1 gene, where the majority of pathogenic missense variants occur, and is predicted to disrupt normal protein folding and function (PMID: 10752524); Not observed at significant frequency in large population cohorts (gnomAD); In silico analysis supports that this missense variant has a deleterious effect on protein structure/function; This variant is associated with the following publications: (PMID: 25500781, 10752524, 23225343)

Labcorp Genetics (formerly Invitae), Labcorp
Classification: Pathogenic. Last evaluated: 2023-06-15. Review status: criteria provided, single submitter. Criteria: Invitae Variant Classification Sherloc (09022015). Collection method: clinical testing. Allele origin: germline.
Comment: For these reasons, this variant has been classified as Pathogenic. This variant disrupts the triple helix domain of COL4A1. Glycine residues within the Gly-Xaa-Yaa repeats of the triple helix domain are required for the structure and stability of fibrillar collagens (PMID: 7695699, 8218237, 19344236). In COL4A1 variants affecting these glycine residues are significantly enriched in individuals with disease (PMID: 9016532, 17078022) compared to the general population (ExAC). An algorithm developed to predict the effect of missense changes on protein structure and function (PolyPhen-2) suggests that this variant is likely to be disruptive. ClinVar contains an entry for this variant (Variation ID: 132791). This missense change has been observed in individual(s) with clinical features of COL4A1-related conditions (PMID: 23225343; Invitae). In at least one individual the variant was observed to be de novo. This variant is not present in population databases (gnomAD no frequency). This sequence change replaces glycine, which is neutral and non-polar, with arginine, which is basic and polar, at codon 1326 of the COL4A1 protein (p.Gly1326Arg).

OMIM
Classification: Pathogenic for BRAIN SMALL VESSEL DISEASE 1 WITHOUT OCULAR ANOMALIES. Last evaluated: 2013-01-01. Review status: no assertion criteria provided. Collection method: literature only. Allele origin: germline. Not counted in ClinVar's aggregate classification.

Literature cited by the submitters: PubMed 7695699 (cited by Labcorp Genetics (formerly Invitae), Labcorp); PubMed 8218237 (cited by Labcorp Genetics (formerly Invitae), Labcorp); PubMed 19344236 (cited by Labcorp Genetics (formerly Invitae), Labcorp); PubMed 9016532 (cited by Labcorp Genetics (formerly Invitae), Labcorp); PubMed 17078022 (cited by Labcorp Genetics (formerly Invitae), Labcorp); PubMed 23225343 (cited by Labcorp Genetics (formerly Invitae), Labcorp and OMIM).